The following is an entry in ClinVar:

ClinVar aggregate classification (germline): Uncertain significance. Review status: criteria provided, multiple submitters, no conflicts (2 of 4 stars). 2 submissions from 2 submitters: Uncertain significance (2). Last evaluated 2022-03-11.

Conditions:
Inborn genetic diseases. Identifiers: MedGen C0950123, MeSH D030342.
Hereditary antithrombin deficiency (AT3D). Also called: Antithrombin III deficiency; Thrombophilia due to antithrombin III deficiency; Reduced antithrombin III activity; Antithrombin deficiency. Identifiers: Orphanet 82, MedGen C0272375, MONDO:0013144, OMIM 613118, HP:0001976.

Allele frequency attached by ClinVar (database versions not stated): gnomAD exomes below 0.00001; TOPMed below 0.00001.
gnomAD v4.1: 6 of 1,613,808 alleles (0.00037%); highest among the groups gnomAD compares: African/African-American, 0.0053%; no homozygotes.

Submissions (2):

Labcorp Genetics (formerly Invitae), Labcorp
Classification: Uncertain significance for Hereditary antithrombin deficiency. Last evaluated: 2022-03-11. Review status: criteria provided, single submitter. Criteria: Invitae Variant Classification Sherloc (09022015). Collection method: clinical testing. Allele origin: germline.
Comment: This sequence change replaces histidine, which is basic and polar, with tyrosine, which is neutral and polar, at codon 351 of the SERPINC1 protein (p.His351Tyr). This variant is not present in population databases (gnomAD no frequency). This variant has not been reported in the literature in individuals affected with SERPINC1-related conditions. Algorithms developed to predict the effect of missense changes on protein structure and function output the following: SIFT: "Tolerated"; PolyPhen-2: "Benign"; Align-GVGD: "Class C0". The tyrosine amino acid residue is found in multiple mammalian species, which suggests that this missense change does not adversely affect protein function. In summary, the available evidence is currently insufficient to determine the role of this variant in disease. Therefore, it has been classified as a Variant of Uncertain Significance.

Ambry Genetics
Classification: Uncertain significance for Inborn genetic diseases. Last evaluated: 2022-01-10. Review status: criteria provided, single submitter. Criteria: Ambry Variant Classification Scheme 2023. Collection method: clinical testing. Allele origin: germline.

NM_000488.4(SERPINC1):c.1051C>T (p.His351Tyr)

Gene: SERPINC1 (serpin family C member 1; minus strand). Cytogenetic location: 1q25.1.
Variant type: single nucleotide variant.
Coding change: c.1051C>T on transcript NM_000488.4 (MANE Select); coding-DNA position 1051, C replaced by T.
Protein change: p.His351Tyr; replaces histidine 351 with tyrosine.
Molecular consequence: missense variant.
Genome position (GRCh38, 1-based): chr1:173,909,654, G>A on the plus strand (C>T on the coding strand, the complement: SERPINC1 is on the minus strand). VCF-style: chr1-173909654-G-A. GRCh37 (hg19) VCF-style: chr1-173878792-G-A.
Other names: c.907C>T, p.His303Tyr (NM_001365052.2); c.1174C>T, p.His392Tyr (NM_001386302.1); c.1132C>T, p.His378Tyr (NM_001386303.1); c.1030C>T, p.His344Tyr (NM_001386304.1); c.994C>T, p.His332Tyr (NM_001386305.1); c.835C>T, p.His279Tyr (NM_001386306.1); short protein forms H351Y, H378Y, H279Y, H303Y, H392Y, H332Y, H344Y.
Identifiers: ClinVar variation 2178499 (VCV002178499.5), dbSNP rs960126155, ClinGen allele CA32780255.